The following is an entry in ClinVar:

ClinVar aggregate classification (germline): Uncertain significance (1 of 4 stars; one submission).

Conditions:
Joubert syndrome. Also called: CEREBELLOPARENCHYMAL DISORDER IV; JOUBERT-BOLTSHAUSER SYNDROME; Familial aplasia of the vermis. Identifiers: Orphanet 475, MedGen C5979921, MONDO:0018772.

Submission:

Labcorp Genetics (formerly Invitae), Labcorp
Classification: Uncertain significance for Joubert syndrome. Last evaluated: 2022-10-13. Review status: criteria provided, single submitter. Criteria: Invitae Variant Classification Sherloc (09022015). Collection method: clinical testing. Allele origin: germline.
Comment: This variant has not been reported in the literature in individuals affected with AHI1-related conditions. Variants that disrupt the consensus splice site are a relatively common cause of aberrant splicing (PMID: 17576681, 9536098). Algorithms developed to predict the effect of sequence changes on RNA splicing suggest that this variant is not likely to affect RNA splicing. In summary, the available evidence is currently insufficient to determine the role of this variant in disease. Therefore, it has been classified as a Variant of Uncertain Significance. This variant is not present in population databases (gnomAD no frequency). This sequence change falls in intron 19 of the AHI1 gene. It does not directly change the encoded amino acid sequence of the AHI1 protein. It affects a nucleotide within the consensus splice site.

Literature cited by the submitters: PubMed 17576681; PubMed 9536098.

NM_001134831.2(AHI1):c.2764+6T>C

Gene: AHI1 (Abelson helper integration site 1; minus strand). Cytogenetic location: 6q23.3.
Variant type: single nucleotide variant.
Coding change: c.2764+6T>C on transcript NM_001134831.2 (MANE Select); 6 bases into the intron after coding-DNA position 2764, T replaced by C.
Molecular consequence: intron variant.
Genome position (GRCh38, 1-based): chr6:135,427,161, A>G on the plus strand (T>C on the coding strand, the complement: AHI1 is on the minus strand). VCF-style: chr6-135427161-A-G. GRCh37 (hg19) VCF-style: chr6-135748299-A-G.
Other names: c.2764+6T>C (NM_001134830.2, NM_001350503.2, NM_017651.5 and 2 more transcripts).
Identifiers: ClinVar variation 2020935 (VCV002020935.4), dbSNP rs2484503833, ClinGen allele CA2580075055.